The following is an entry in ClinVar:

ClinVar aggregate classification (germline): Likely pathogenic (1 of 4 stars; one submission).

Conditions:
Alstrom syndrome (ALMS). Identifiers: Orphanet 64, MedGen C0268425, MONDO:0008763, OMIM 203800.

Submission:

Myriad Genetics, Inc.
Classification: Likely pathogenic for Alstrom syndrome. Last evaluated: 2022-04-01. Review status: criteria provided, single submitter. Criteria: Myriad Women's Health Autosomal Recessive and X-Linked Classification Criteria (2021). Collection method: clinical testing. Allele origin: unknown.
Comment: NM_015120.4(ALMS1):c.5967C>A(Y1989*) is expected to be pathogenic in the context of Alstrom syndrome. This variant is predicted to lead to an abnormal or absent protein product due to the creation of a premature termination codon in ALMS1, a gene where loss-of-function variants are known to be pathogenic. Please note: this variant was assessed in the context of healthy population screening.

NM_001378454.1(ALMS1):c.5964C>A (p.Tyr1988Ter)

Gene: ALMS1 (ALMS1 centrosome and basal body associated protein; plus strand). Cytogenetic location: 2p13.1.
Variant type: single nucleotide variant.
Coding change: c.5964C>A on transcript NM_001378454.1 (MANE Select); coding-DNA position 5964, C replaced by A.
Protein change: p.Tyr1988Ter; replaces tyrosine 1988 with a stop codon.
Molecular consequence: nonsense.
Genome position (GRCh38, 1-based): chr2:73,452,491, C>A. VCF-style: chr2-73452491-C-A. GRCh37 (hg19) VCF-style: chr2-73679618-C-A.
Other names: c.5967C>A, p.Tyr1989Ter (NM_015120.4); short protein forms Y1988*, Y1989*.
Identifiers: ClinVar variation 1725800 (VCV001725800.2), dbSNP rs2103788334, ClinGen allele CA347284143.
Genomic context (GRCh38, chr2:73,452,491, plus strand): 5'-ACCTGTTTCTATACCAGCAGAGCAGAAGACTGGGATACCAATAGGACTGTCTAGTTCCTA[C>A]TCACATTCACATAAAGAGAAACTCAAGATTTCAACTGTGCATATACCAGATGACCAGAAA-3'